The following is an entry in ClinVar:

ClinVar aggregate classification (germline): Uncertain significance (1 of 4 stars; one submission).

Submission:

Labcorp Genetics (formerly Invitae), Labcorp
Classification: Uncertain significance. Last evaluated: 2023-10-23. Review status: criteria provided, single submitter. Criteria: Invitae Variant Classification Sherloc (09022015). Collection method: clinical testing. Allele origin: germline.
Comment: This sequence change replaces phenylalanine, which is neutral and non-polar, with valine, which is neutral and non-polar, at codon 294 of the LRP5 protein (p.Phe294Val). This variant is not present in population databases (gnomAD no frequency). This variant has not been reported in the literature in individuals affected with LRP5-related conditions. Advanced modeling of protein sequence and biophysical properties (such as structural, functional, and spatial information, amino acid conservation, physicochemical variation, residue mobility, and thermodynamic stability) performed at Invitae indicates that this missense variant is not expected to disrupt LRP5 protein function with a negative predictive value of 95%. In summary, the available evidence is currently insufficient to determine the role of this variant in disease. Therefore, it has been classified as a Variant of Uncertain Significance.

NM_002335.4(LRP5):c.880T>G (p.Phe294Val)

Gene: LRP5 (LDL receptor related protein 5; plus strand). Cytogenetic location: 11q13.2.
Variant type: single nucleotide variant.
Coding change: c.880T>G on transcript NM_002335.4 (MANE Select); coding-DNA position 880, T replaced by G.
Protein change: p.Phe294Val; replaces phenylalanine 294 with valine.
Molecular consequence: missense variant. On other transcripts: 5 prime UTR variant (1).
Genome position (GRCh38, 1-based): chr11:68,363,940, T>G. VCF-style: chr11-68363940-T-G. GRCh37 (hg19) VCF-style: chr11-68131408-T-G.
Other names: c.-886T>G (NM_001291902.2); short protein forms F294V.
Identifiers: ClinVar variation 2771419 (VCV002771419.3), dbSNP rs770136120, ClinGen allele CA381611317.